The following is an entry in ClinVar:

ClinVar aggregate classification (germline): Likely pathogenic (1 of 4 stars; one submission).

Conditions:
Biotinidase deficiency. Also called: BTD deficiency; Late-onset biotin-responsive multiple carboxylase deficiency; Biotin deficiency. Identifiers: Orphanet 79241, MedGen C0220754, MONDO:0009665, OMIM 253260.

Submission:

Natera, Inc.
Classification: Likely pathogenic for Biotinidase deficiency. Last evaluated: 2024-02-21. Review status: criteria provided, single submitter. Criteria: Natera Variant Classification Schema (03/2026). Collection method: clinical testing. Allele origin: germline.
Comment: The c.1563delG variant in BTD is a frameshift variant predicted to shift the reading frame beginning at codon 522 and leads to a stop codon 10 codons downstream. This variant is expected to result in nonsense mediated decay, truncation, or a dysfunctional protein product. This variant is rare in the general population with a frequency below the threshold expected for the associated phenotype(s). Given the available evidence, this variant is classified as Likely Pathogenic.

NM_000060.4:c.1563delG

Variant type: Deletion.
Other names: c.1563delG (NM_000060.4).
Identifiers: ClinVar variation 4815986 (VCV004815986.1).